The following is an entry in ClinVar:

NM_020297.4(ABCC9):c.2757A>C (p.Gln919His)

Gene: ABCC9 (ATP binding cassette subfamily C member 9; minus strand). Cytogenetic location: 12p12.1.
Variant type: single nucleotide variant.
Coding change: c.2757A>C on transcript NM_020297.4 (MANE Select); coding-DNA position 2757, A replaced by C.
Protein change: p.Gln919His; replaces glutamine 919 with histidine.
Molecular consequence: missense variant.
Genome position (GRCh38, 1-based): chr12:21,852,109, T>G on the plus strand (A>C on the coding strand, the complement: ABCC9 is on the minus strand). VCF-style: chr12-21852109-T-G. GRCh37 (hg19) VCF-style: chr12-22005043-T-G.
Other names: c.2757A>C, p.Gln919His (NM_001377273.1, NM_005691.4); c.1890A>C, p.Gln630His (NM_001377274.1); short protein forms Q630H, Q919H.
Identifiers: ClinVar variation 2895695 (VCV002895695.3), dbSNP rs771069339, ClinGen allele CA6481296.

ClinVar aggregate classification (germline): Uncertain significance (1 of 4 stars; one submission).

Conditions:
Dilated cardiomyopathy 1O (CMD1O). Also called: CARDIOMYOPATHY, DILATED, WITH VENTRICULAR TACHYCARDIA. Identifiers: Orphanet 154, MedGen C1837839, MONDO:0012062, OMIM 608569.

Allele frequency attached by ClinVar (database versions not stated): gnomAD exomes below 0.00001; ExAC 0.00001.

Submission:

Labcorp Genetics (formerly Invitae), Labcorp
Classification: Uncertain significance for Dilated cardiomyopathy 1O. Last evaluated: 2025-12-08. Review status: criteria provided, single submitter. Criteria: Invitae Variant Classification Sherloc (09022015). Collection method: clinical testing. Allele origin: germline.
Comment: This sequence change replaces glutamine, which is neutral and polar, with histidine, which is basic and polar, at codon 919 of the ABCC9 protein (p.Gln919His). This variant is present in population databases (rs771069339, gnomAD 0.003%). This variant has not been reported in the literature in individuals affected with ABCC9-related conditions. ClinVar contains an entry for this variant (Variation ID: 2895695). Invitae Evidence Modeling of protein sequence and biophysical properties (such as structural, functional, and spatial information, amino acid conservation, physicochemical variation, residue mobility, and thermodynamic stability) has been performed for this missense variant. However, the output from this modeling did not meet the statistical confidence thresholds required to predict the impact of this variant on ABCC9 protein function. In summary, the available evidence is currently insufficient to determine the role of this variant in disease. Therefore, it has been classified as a Variant of Uncertain Significance.